The following is an entry in ClinVar:

NM_173630.4(RTTN):c.44C>T (p.Ala15Val)

Gene: RTTN (rotatin; minus strand). Cytogenetic location: 18q22.2.
Variant type: single nucleotide variant.
Coding change: c.44C>T on transcript NM_173630.4 (MANE Select); coding-DNA position 44, C replaced by T.
Protein change: p.Ala15Val; replaces alanine 15 with valine.
Molecular consequence: missense variant. On other transcripts: 5 prime UTR variant (1).
Genome position (GRCh38, 1-based): chr18:70,205,303, G>A on the plus strand (C>T on the coding strand, the complement: RTTN is on the minus strand). VCF-style: chr18-70205303-G-A. GRCh37 (hg19) VCF-style: chr18-67872539-G-A.
Other names: c.44C>T (NM_173630.3); c.-2510C>T (NM_001318520.2); short protein forms A15V.
Identifiers: ClinVar variation 1362823 (VCV001362823.10), dbSNP rs200061908, ClinGen allele CA8996598.

ClinVar aggregate classification (germline): Uncertain significance. Review status: criteria provided, multiple submitters, no conflicts (2 of 4 stars). 3 submissions from 3 submitters: Uncertain significance (3). Last evaluated 2026-01-16.

Conditions:
Inborn genetic diseases. Identifiers: MedGen C0950123, MeSH D030342.

Allele frequency attached by ClinVar (database versions not stated): gnomAD 0.00009; gnomAD exomes 0.00021 and 0.00008; ESP Exome Variant Server 0.00017; ExAC 0.00010; TOPMed 0.00011.
gnomAD v4.1: 313 of 1,614,042 alleles (0.019%); highest among the groups gnomAD compares: Non-Finnish European, 0.025%; 1 homozygote.

Submissions (3):

GeneDx
Classification: Uncertain significance. Last evaluated: 2026-01-16. Review status: criteria provided, single submitter. Criteria: GeneDx Variant Classification Process June 2021. Collection method: clinical testing. Allele origin: germline.
Comment: In silico analysis suggests that this missense variant does not alter protein structure/function; Has not been previously published as pathogenic or benign to our knowledge

Ambry Genetics
Classification: Uncertain significance for Inborn genetic diseases. Last evaluated: 2025-07-15. Review status: criteria provided, single submitter. Criteria: Ambry Variant Classification Scheme 2023. Collection method: clinical testing. Allele origin: germline.

Labcorp Genetics (formerly Invitae), Labcorp
Classification: Uncertain significance. Last evaluated: 2023-09-13. Review status: criteria provided, single submitter. Criteria: Invitae Variant Classification Sherloc (09022015). Collection method: clinical testing. Allele origin: germline.
Comment: In summary, the available evidence is currently insufficient to determine the role of this variant in disease. Therefore, it has been classified as a Variant of Uncertain Significance. Advanced modeling of protein sequence and biophysical properties (such as structural, functional, and spatial information, amino acid conservation, physicochemical variation, residue mobility, and thermodynamic stability) performed at Invitae indicates that this missense variant is not expected to disrupt RTTN protein function. ClinVar contains an entry for this variant (Variation ID: 1362823). This variant has not been reported in the literature in individuals affected with RTTN-related conditions. This variant is present in population databases (rs200061908, gnomAD 0.02%). This sequence change replaces alanine, which is neutral and non-polar, with valine, which is neutral and non-polar, at codon 15 of the RTTN protein (p.Ala15Val).